The following is an entry in ClinVar:

ClinVar aggregate classification (germline): Uncertain significance (1 of 4 stars; one submission).

Conditions:
Inborn genetic diseases. Identifiers: MedGen C0950123, MeSH D030342.

Submission:

Ambry Genetics
Classification: Uncertain significance for Inborn genetic diseases. Last evaluated: 2026-03-01. Review status: criteria provided, single submitter. Criteria: Ambry Variant Classification Scheme 2023. Collection method: clinical testing. Allele origin: germline.
Comment: The p.D631N variant (also known as c.1891G>A), located in coding exon 11 of the FANCM gene, results from a G to A substitution at nucleotide position 1891. The aspartic acid at codon 631 is replaced by asparagine, an amino acid with highly similar properties. This amino acid position is conserved. In addition, this alteration is predicted to be tolerated by in silico analysis. Based on the available evidence, the clinical significance of this variant remains unclear.

NM_020937.4(FANCM):c.1891G>A (p.Asp631Asn)

Gene: FANCM (FA complementation group M; plus strand). Cytogenetic location: 14q21.2.
Variant type: single nucleotide variant.
Coding change: c.1891G>A on transcript NM_020937.4 (MANE Select); coding-DNA position 1891, G replaced by A.
Protein change: p.Asp631Asn; replaces aspartic acid 631 with asparagine.
Molecular consequence: missense variant.
Genome position (GRCh38, 1-based): chr14:45,167,052, G>A. VCF-style: chr14-45167052-G-A. GRCh37 (hg19) VCF-style: chr14-45636255-G-A.
Other names: c.1813G>A, p.Asp605Asn (NM_001308133.2); c.1891G>A, p.Asp631Asn (NM_001308134.2); short protein forms D631N, D605N.
Identifiers: ClinVar variation 4826007 (VCV004826007.1).